The following is an entry in ClinVar:

ClinVar aggregate classification (germline): Conflicting classifications of pathogenicity. Review status: criteria provided, conflicting classifications (1 of 4 stars). 4 submissions from 4 submitters: Uncertain significance (3); Likely benign (1). Last evaluated 2024-11-09.

Conditions:
Hereditary cancer-predisposing syndrome. Also called: Tumor predisposition; Hereditary neoplastic syndrome; Neoplastic Syndromes, Hereditary; Hereditary Cancer Syndrome. Identifiers: Orphanet 140162, MedGen C0027672, MeSH D009386, MONDO:0015356.
Breast-ovarian cancer, familial, susceptibility to, 2 (BROVCA2). Also called: BRCA2 Hereditary Breast and Ovarian Cancer. Identifiers: Orphanet 145, MedGen C2675520, MONDO:0012933, OMIM 612555. Disease mechanism: loss of function.

Submissions (4):

Ambry Genetics
Classification: Uncertain significance for Hereditary cancer-predisposing syndrome. Last evaluated: 2024-11-09. Review status: criteria provided, single submitter. Criteria: Ambry Variant Classification Scheme 2023. Collection method: clinical testing. Allele origin: germline.
Comment: The p.A1398V variant (also known as c.4193C>T), located in coding exon 10 of the BRCA2 gene, results from a C to T substitution at nucleotide position 4193. The alanine at codon 1398 is replaced by valine, an amino acid with similar properties. This amino acid position is conserved. In addition, this alteration is predicted to be tolerated by in silico analysis. Based on the available evidence, the clinical significance of this variant remains unclear.

All of Us Research Program, National Institutes of Health
Classification: Uncertain significance for Breast-ovarian cancer, familial, susceptibility to, 2. Last evaluated: 2023-04-03. Review status: criteria provided, single submitter. Criteria: ACMG Guidelines, 2015. Collection method: clinical testing. Allele origin: germline. Inheritance: Autosomal dominant inheritance. Observed: 1 variant allele, 1 heterozygote.
Comment: This missense variant replaces alanine with valine at codon 1398 of the BRCA2 protein. Computational prediction suggests that this variant may not impact protein structure and function (internally defined REVEL score threshold <= 0.5, PMID: 27666373). To our knowledge, functional studies have not been reported for this variant. This variant has not been reported in individuals affected with hereditary cancer in the literature and has been reported in 1 unaffected individual (PMID: 33471991; Leiden Open Variation Database DB-ID BRCA2_008173). This variant has not been identified in the general population by the Genome Aggregation Database (gnomAD). The available evidence is insufficient to determine the role of this variant in disease conclusively. Therefore, this variant is classified as a Variant of Uncertain Significance.

This study involves interpretation of variants in research participants for the purpose of population health screening. Participant phenotype was not available at the time of variant classification. Additional details can be found in publication PMID: 35346344, PMCID: PMC8962531

University of Washington Department of Laboratory Medicine, University of Washington
Classification: Likely benign for Hereditary cancer-predisposing syndrome. Last evaluated: 2023-03-23. Review status: criteria provided, single submitter. Criteria: Dines et al. (Genet Med. 2020). Collection method: curation. Allele origin: germline.
Comment: Missense variant in a coldspot region where missense variants are very unlikely to be pathogenic (PMID:31911673).

BRCA2 exon 11 coldspot. Reclassification based on statistical prior probability.

Women's Health and Genetics/Laboratory Corporation of America, LabCorp
Classification: Uncertain significance. Last evaluated: 2020-11-23. Review status: criteria provided, single submitter. Criteria: LabCorp Variant Classification Summary - May 2015. Collection method: clinical testing. Allele origin: germline.
Comment: Variant summary: BRCA2 c.4193C>T (p.Ala1398Val) results in a non-conservative amino acid change in the encoded protein sequence. Three of five in-silico tools predict a benign effect of the variant on protein function. The variant was absent in 240760 control chromosomes. The available data on variant occurrences in the general population are insufficient to allow any conclusion about variant significance. To our knowledge, no occurrence of c.4193C>T in individuals affected with Hereditary Breast And Ovarian Cancer Syndrome and no experimental evidence demonstrating its impact on protein function have been reported. No clinical diagnostic laboratories have submitted clinical-significance assessments for this variant to ClinVar after 2014. Based on the evidence outlined above, the variant was classified as uncertain significance.

Literature cited by the submitters: PubMed 33471991 (cited by All of Us Research Program, National Institutes of Health).

NM_000059.4(BRCA2):c.4193C>T (p.Ala1398Val)

Gene: BRCA2 (BRCA2 DNA repair associated; plus strand). Cytogenetic location: 13q13.1.
Variant type: single nucleotide variant.
Coding change: c.4193C>T on transcript NM_000059.4 (MANE Select); coding-DNA position 4193, C replaced by T.
Protein change: p.Ala1398Val; replaces alanine 1398 with valine.
Molecular consequence: missense variant.
Genome position (GRCh38, 1-based): chr13:32,338,548, C>T. VCF-style: chr13-32338548-C-T. GRCh37 (hg19) VCF-style: chr13-32912685-C-T.
Other names: short protein forms A1398V.
Identifiers: ClinVar variation 987792 (VCV000987792.5), dbSNP rs2072498593, ClinGen allele CA387780180.